The following is an entry in ClinVar:

NM_000152.5(GAA):c.2672G>T (p.Arg891Leu)

Gene: GAA (alpha glucosidase; plus strand). Cytogenetic location: 17q25.3.
Variant type: single nucleotide variant.
Coding change: c.2672G>T on transcript NM_000152.5 (MANE Select); coding-DNA position 2672, G replaced by T.
Protein change: p.Arg891Leu; replaces arginine 891 with leucine.
Molecular consequence: missense variant.
Genome position (GRCh38, 1-based): chr17:80,118,678, G>T. VCF-style: chr17-80118678-G-T. GRCh37 (hg19) VCF-style: chr17-78092477-G-T.
Other names: c.2672G>T (LRG_673t1); c.2672G>T, p.Arg891Leu (NM_001079803.3, NM_001079804.3); short protein forms R891L.
Identifiers: ClinVar variation 665976 (VCV000665976.10), dbSNP rs199524847, ClinGen allele CA401326705.

ClinVar aggregate classification (germline): Uncertain significance. Review status: criteria provided, multiple submitters, no conflicts (2 of 4 stars). 3 submissions from 3 submitters: Uncertain significance (2). 1 of the submissions does not count toward it. Last evaluated 2025-10-29.

Conditions:
Glycogen storage disease, type II (IOPD). Also called: Pompe Disease; Glycogen storage disease type 2; Acid maltase deficiency disease; Aglucosidase alfa; Deficiency of alpha-glucosidase; Deficiency of lysosomal alpha-glucosidase. Identifiers: Orphanet 365, MedGen C0017921, MONDO:0009290, OMIM 232300.
Cardiovascular phenotype. Identifiers: MedGen CN230736.

gnomAD v4.1: 1 of 1,612,812 alleles (0.000062%); highest among the groups gnomAD compares: Middle Eastern, 0.017%; no homozygotes.

Submissions (3):

Ambry Genetics
Classification: Uncertain significance for Cardiovascular phenotype. Last evaluated: 2025-10-29. Review status: criteria provided, single submitter. Criteria: Ambry Variant Classification Scheme 2023. Collection method: clinical testing. Allele origin: germline.
Comment: The p.R891L variant (also known as c.2672G>T), located in coding exon 18 of the GAA gene, results from a G to T substitution at nucleotide position 2672. The arginine at codon 891 is replaced by leucine, an amino acid with dissimilar properties. This amino acid position is conserved. In addition, this alteration is predicted to be tolerated by in silico analysis. Based on the available evidence, the clinical significance of this variant remains unclear.

Labcorp Genetics (formerly Invitae), Labcorp
Classification: Uncertain significance for Glycogen storage disease, type II. Last evaluated: 2024-07-08. Review status: criteria provided, single submitter. Criteria: Invitae Variant Classification Sherloc (09022015). Collection method: clinical testing. Allele origin: germline.
Comment: This sequence change replaces arginine, which is basic and polar, with leucine, which is neutral and non-polar, at codon 891 of the GAA protein (p.Arg891Leu). This variant is not present in population databases (gnomAD no frequency). This variant has not been reported in the literature in individuals affected with GAA-related conditions. ClinVar contains an entry for this variant (Variation ID: 665976). Advanced modeling of protein sequence and biophysical properties (such as structural, functional, and spatial information, amino acid conservation, physicochemical variation, residue mobility, and thermodynamic stability) performed at Invitae indicates that this missense variant is not expected to disrupt GAA protein function with a negative predictive value of 95%. In summary, the available evidence is currently insufficient to determine the role of this variant in disease. Therefore, it has been classified as a Variant of Uncertain Significance.

Natera, Inc.
Classification: Uncertain significance for Glycogen storage disease type II. Last evaluated: 2020-08-03. Review status: no assertion criteria provided. Collection method: clinical testing. Allele origin: germline. Not counted in ClinVar's aggregate classification.